The following is an entry in ClinVar:

NM_005228.5(EGFR):c.2003T>C (p.Met668Thr)

Gene: EGFR (epidermal growth factor receptor; plus strand). Cytogenetic location: 7p11.2.
Variant type: single nucleotide variant.
Coding change: c.2003T>C on transcript NM_005228.5 (MANE Select); coding-DNA position 2003, T replaced by C.
Protein change: p.Met668Thr; replaces methionine 668 with threonine.
Molecular consequence: missense variant.
Genome position (GRCh38, 1-based): chr7:55,173,066, T>C. VCF-style: chr7-55173066-T-C. GRCh37 (hg19) VCF-style: chr7-55240759-T-C.
Other names: c.1868T>C, p.Met623Thr (NM_001346897.2, NM_001346899.2); c.2003T>C, p.Met668Thr (NM_001346898.2); c.1844T>C, p.Met615Thr (NM_001346900.2); c.1202T>C, p.Met401Thr (NM_001346941.2); short protein forms M623T, M668T, M615T, M401T.
Identifiers: ClinVar variation 3667648 (VCV003667648.3).
Genomic context (GRCh38, chr7:55,173,066, plus strand): 5'-CTGGGATGGTGGGGGCCCTCCTCTTGCTGCTGGTGGTGGCCCTGGGGATCGGCCTCTTCA[T>C]GCGAAGGCGCCACATCGTTCGGAAGCGCACGCTGCGGAGGCTGCTGCAGGAGAGGGAGGT-3'
Protein context (NP_005219.2, residues 658-678): LVVALGIGLF[Met668Thr]RRRHIVRKRT

ClinVar aggregate classification (germline): Uncertain significance. Review status: criteria provided, multiple submitters, no conflicts (2 of 4 stars). 2 submissions from 2 submitters: Uncertain significance (2). Last evaluated 2026-07-07.

Conditions:
EGFR-related lung cancer (EGFR). Identifiers: MedGen CN130014.
Hereditary cancer-predisposing syndrome. Also called: Tumor predisposition; Hereditary neoplastic syndrome; Hereditary Cancer Syndrome; Neoplastic Syndromes, Hereditary. Identifiers: Orphanet 140162, MedGen C0027672, MeSH D009386, MONDO:0015356.

Submissions (2):

Ambry Genetics
Classification: Uncertain significance for Hereditary cancer-predisposing syndrome. Last evaluated: 2026-07-07. Review status: criteria provided, single submitter. Criteria: Ambry Variant Classification Scheme 2023. Collection method: clinical testing. Allele origin: germline.
Comment: The p.M668T variant (also known as c.2003T>C), located in coding exon 17 of the EGFR gene, results from a T to C substitution at nucleotide position 2003. The methionine at codon 668 is replaced by threonine, an amino acid with similar properties. This amino acid position is conserved. In addition, this alteration is predicted to be tolerated by in silico analysis. Based on the available evidence, the clinical significance of this variant remains unclear.

Labcorp Genetics (formerly Invitae), Labcorp
Classification: Uncertain significance for EGFR-related lung cancer. Last evaluated: 2024-08-27. Review status: criteria provided, single submitter. Criteria: Invitae Variant Classification Sherloc (09022015). Collection method: clinical testing. Allele origin: germline.
Comment: This sequence change replaces methionine, which is neutral and non-polar, with threonine, which is neutral and polar, at codon 668 of the EGFR protein (p.Met668Thr). This variant is not present in population databases (gnomAD no frequency). This variant has not been reported in the literature in individuals affected with EGFR-related conditions. Invitae Evidence Modeling of protein sequence and biophysical properties (such as structural, functional, and spatial information, amino acid conservation, physicochemical variation, residue mobility, and thermodynamic stability) indicates that this missense variant is not expected to disrupt EGFR protein function with a negative predictive value of 80%. In summary, the available evidence is currently insufficient to determine the role of this variant in disease. Therefore, it has been classified as a Variant of Uncertain Significance.